The following is an entry in ClinVar:

NM_000071.3(CBS):c.1484C>T (p.Thr495Met)

Gene: CBS (cystathionine beta-synthase; minus strand). Cytogenetic location: 21q22.3.
Variant type: single nucleotide variant.
Coding change: c.1484C>T on transcript NM_000071.3 (MANE Select); coding-DNA position 1484, C replaced by T.
Protein change: p.Thr495Met; replaces threonine 495 with methionine.
Molecular consequence: missense variant.
Genome position (GRCh38, 1-based): chr21:43,056,871, G>A on the plus strand (C>T on the coding strand, the complement: CBS is on the minus strand). VCF-style: chr21-43056871-G-A. GRCh37 (hg19) VCF-style: chr21-44476981-G-A.
Other names: c.1484C>T, p.Thr495Met (NM_001178008.3, NM_001178009.3, NM_001320298.2); c.1169C>T, p.Thr390Met (NM_001321072.1); short protein forms T495M, T390M.
Identifiers: ClinVar variation 405370 (VCV000405370.51), dbSNP rs772344567, ClinGen allele CA16616512.

ClinVar aggregate classification (germline): Uncertain significance. Review status: criteria provided, multiple submitters, no conflicts (2 of 4 stars). 8 submissions from 8 submitters: Uncertain significance (7). 1 of the submissions does not count toward it. Last evaluated 2026-07-01.

Conditions:
HYPERHOMOCYSTEINEMIA, THROMBOTIC, CBS-RELATED. Identifiers: MedGen C3150344, OMIM 236200.
Familial thoracic aortic aneurysm and aortic dissection (TAAD). Also called: Thoracic aortic aneurysms and dissections. Identifiers: Orphanet 91387, MedGen C4707243, MONDO:0019625.
Classic homocystinuria. Also called: HOMOCYSTINURIA WITH OR WITHOUT RESPONSE TO PYRIDOXINE; Homocystinuria due to Cystathionine Beta-Synthase Deficiency; Homocystinuria due to CBS deficiency; Cystathionine beta-synthase deficiency; CBS deficiency. Identifiers: Orphanet 394, MedGen C0751202, MONDO:0009352, OMIM 236200.

Allele frequency attached by ClinVar (database versions not stated): gnomAD 0.00003; gnomAD exomes 0.00008; ExAC 0.00014.

Submissions (8):

CeGaT Center for Human Genetics Tuebingen
Classification: Uncertain significance. Last evaluated: 2026-07-01. Review status: criteria provided, single submitter. Criteria: CeGaT Center For Human Genetics Tuebingen Variant Classification Criteria Version 2. Collection method: clinical testing. Allele origin: germline. Affected: yes. Observed: 3 variant alleles.

Women's Health and Genetics/Laboratory Corporation of America, LabCorp
Classification: Uncertain significance. Last evaluated: 2026-04-29. Review status: criteria provided, single submitter. Criteria: LabCorp Variant Classification Summary - May 2015. Collection method: clinical testing. Allele origin: germline.
Comment: Variant summary: CBS c.1484C>T (p.Thr495Met) results in a non-conservative amino acid change in the encoded protein sequence. Algorithms developed to predict the effect of missense changes on protein structure and function are either unavailable or do not agree on the potential impact of this missense change. The variant allele was found at a frequency of 8.1e-05 in 160610 control chromosomes. This frequency is not significantly higher than estimated for disease-causing variants in CBS, allowing no conclusion about variant significance. To our knowledge, no occurrence of c.1484C>T in individuals affected with CBS-related conditions and no experimental evidence demonstrating its impact on protein function have been reported. ClinVar contains an entry for this variant (Variation ID: 405370). Based on the evidence outlined above, the variant was classified as uncertain significance.

GeneDx
Classification: Uncertain significance. Last evaluated: 2025-07-27. Review status: criteria provided, single submitter. Criteria: GeneDx Variant Classification Process June 2021. Collection method: clinical testing. Allele origin: germline. Affected: yes.
Comment: Has not been previously published in association with homocystinuria to our knowledge; In silico analysis supports that this missense variant has a deleterious effect on protein structure/function; Not observed at significant frequency in large population cohorts (gnomAD); This variant is associated with the following publications: (PMID: 31347285, 30556376)

Ambry Genetics
Classification: Uncertain significance for Familial thoracic aortic aneurysm and aortic dissection. Last evaluated: 2024-08-15. Review status: criteria provided, single submitter. Criteria: Ambry Variant Classification Scheme 2023. Collection method: clinical testing. Allele origin: germline.
Comment: The p.T495M variant (also known as c.1484C>T), located in coding exon 14 of the CBS gene, results from a C to T substitution at nucleotide position 1484. The threonine at codon 495 is replaced by methionine, an amino acid with similar properties. This variant has been detected in a psychiatric disorders cohort (Sriretnakumar V et al. Am. J. Med. Genet. B Neuropsychiatr. Genet., 2019 01;180:46-54). This amino acid position is poorly conserved in available vertebrate species. In addition, the in silico prediction for this alteration is inconclusive. Based on the available evidence, the clinical significance of this variant remains unclear.

Department of Pathology and Laboratory Medicine, Sinai Health System
Classification: Uncertain significance for classic homocystinuria. Last evaluated: 2022-12-19. Review status: criteria provided, single submitter. Criteria: ACMG Guidelines, 2015. Collection method: research. Allele origin: germline.

Labcorp Genetics (formerly Invitae), Labcorp
Classification: Uncertain significance for HYPERHOMOCYSTEINEMIA, THROMBOTIC, CBS-RELATED. Last evaluated: 2022-09-01. Review status: criteria provided, single submitter. Criteria: Invitae Variant Classification Sherloc (09022015). Collection method: clinical testing. Allele origin: germline.
Comment: This sequence change replaces threonine, which is neutral and polar, with methionine, which is neutral and non-polar, at codon 495 of the CBS protein (p.Thr495Met). This variant is present in population databases (rs772344567, gnomAD 0.01%). This variant has not been reported in the literature in individuals affected with CBS-related conditions. ClinVar contains an entry for this variant (Variation ID: 405370). Algorithms developed to predict the effect of missense changes on protein structure and function are either unavailable or do not agree on the potential impact of this missense change (SIFT: "Tolerated"; PolyPhen-2: "Possibly Damaging"; Align-GVGD: "Class C0"). In summary, the available evidence is currently insufficient to determine the role of this variant in disease. Therefore, it has been classified as a Variant of Uncertain Significance.

Fulgent Genetics
Classification: Uncertain significance for Classic homocystinuria. Last evaluated: 2018-10-31. Review status: criteria provided, single submitter. Criteria: ACMG Guidelines, 2015. Collection method: clinical testing. Allele origin: unknown.

Natera, Inc.
Classification: Uncertain significance for Homocystinuria due to cystathionine beta-synthase deficiency. Last evaluated: 2020-02-12. Review status: no assertion criteria provided. Collection method: clinical testing. Allele origin: germline. Not counted in ClinVar's aggregate classification.

Literature cited by the submitters: PubMed 22140583 (cited by Ambry Genetics); PubMed 27604992 (cited by Ambry Genetics); PubMed 30556376 (cited by Ambry Genetics).